The following is an entry in ClinVar:

ClinVar aggregate classification (germline): Pathogenic. Review status: criteria provided, multiple submitters, no conflicts (2 of 4 stars). 4 submissions from 4 submitters: Pathogenic (3). 1 of the submissions does not count toward it. Last evaluated 2024-11-29.

Conditions:
Usher syndrome type 1B (USH1B). Also called: Usher syndrome type IB. Identifiers: MedGen C1848638, MONDO:0700087.
Autosomal recessive nonsyndromic hearing loss 2. Also called: DEAFNESS, AUTOSOMAL RECESSIVE 2; NEUROSENSORY NONSYNDROMIC RECESSIVE DEAFNESS 2. Identifiers: Orphanet 90636, MedGen C1838701, MONDO:0010807, OMIM 600060.
Hearing loss, autosomal recessive. Also called: Nonsyndromic Hearing Loss, Recessive; Deafness, autosomal recessive; Rare autosomal recessive non-syndromic sensorineural deafness type DFNB; Autosomal recessive nonsyndromic deafness. Identifiers: Orphanet 90635, Orphanet 90636, MedGen C1846647, MONDO:0019588, OMIM 607197.

Submissions (4):

Natera, Inc.
Classification: Pathogenic for Usher syndrome type 1B. Last evaluated: 2024-11-29. Review status: criteria provided, single submitter. Criteria: Natera Variant Classification Schema (03/2026). Collection method: clinical testing. Allele origin: germline.
Comment: The c.3136dup variant in MYO7A is a frameshift variant predicted to shift the reading frame beginning at codon 1046 and leads to a stop codon 9 codons downstream. This variant is expected to result in nonsense mediated decay, truncation, or a dysfunctional protein product. This variant is rare in the general population with a frequency below the threshold expected for the associated phenotype(s). This variant has been observed in one or more individuals affected with the associated recessive disease, as either homozygous or compound heterozygous with a second variant (PMID: 37466950). Given the available evidence, this variant is classified as Pathogenic.

Victorian Clinical Genetics Services, Murdoch Childrens Research Institute
Classification: Pathogenic for Autosomal recessive nonsyndromic hearing loss 2. Last evaluated: 2024-10-22. Review status: criteria provided, single submitter. Criteria: ACMG Guidelines, 2015. Collection method: clinical testing. Allele origin: germline. Affected: yes.
Comment: This variant is classified as Pathogenic. Evidence in support of pathogenic classification: Variant is predicted to cause nonsense-mediated decay (NMD) and loss of protein (premature termination codon is located at least 54 nucleotides upstream of the final exon-exon junction); Variant is absent from gnomAD (v2, v3 and v4); This variant has limited previous evidence of pathogenicity in an unrelated individual. This variant has been classified as pathogenic by a clinical laboratory in ClinVar; Other NMD-predicted variants comparable to the one identified in this case have very strong previous evidence for pathogenicity. Many NMD-predicted variants have been classified as pathogenic or likely pathogenic by clinical laboratories in ClinVar. Additional information: This variant is heterozygous; This gene is associated with both recessive and dominant disease. While the genotype-phenotype correlation is unestablished, autosomal dominant inheritance is usually associated with missense variants that are not localised to a specific region of the protein (OMIM); Loss of function is a known mechanism of disease in this gene and is associated with deafness, autosomal dominant 11 (MIM#601317), deafness, autosomal recessive 2 (MIM#600060) and Usher syndrome, type 1B (MIM#276900). In addition, dominant negative is the suggested mechanism for missense variants in autosomal dominant inheritance (OMIM, PMID: 23383098); Inheritance information for this variant is not currently available in this individual.

Labcorp Genetics (formerly Invitae), Labcorp
Classification: Pathogenic. Last evaluated: 2021-09-25. Review status: criteria provided, single submitter. Criteria: Invitae Variant Classification Sherloc (09022015). Collection method: clinical testing. Allele origin: germline.
Comment: For these reasons, this variant has been classified as Pathogenic. ClinVar contains an entry for this variant (Variation ID: 996717). This premature translational stop signal has been observed in individual(s) with Usher syndrome (PMID: 18181211). This variant is not present in population databases (ExAC no frequency). This sequence change creates a premature translational stop signal (p.Leu1046Profs*9) in the MYO7A gene. It is expected to result in an absent or disrupted protein product. Loss-of-function variants in MYO7A are known to be pathogenic (PMID: 8900236, 25404053).

University of Washington Center for Mendelian Genomics, University of Washington
Classification: Likely pathogenic for non-syndromic autosomal recessive hearing loss. Review status: no assertion criteria provided. Collection method: research. Allele origin: inherited. Affected: yes. Not counted in ClinVar's aggregate classification.

Literature cited by the submitters: PubMed 37466950 (cited by Natera, Inc.); PubMed 23383098 (cited by Victorian Clinical Genetics Services, Murdoch Childrens Research Institute); PubMed 18181211 (cited by Labcorp Genetics (formerly Invitae), Labcorp); PubMed 8900236 (cited by Labcorp Genetics (formerly Invitae), Labcorp); PubMed 25404053 (cited by Labcorp Genetics (formerly Invitae), Labcorp); PubMed 30303587 (cited by University of Washington Center for Mendelian Genomics, University of Washington).

NM_000260.4(MYO7A):c.3136dup (p.Leu1046fs)

Gene: MYO7A (myosin VIIA; plus strand). Cytogenetic location: 11q13.5.
Variant type: Duplication.
Coding change: c.3136dup on transcript NM_000260.4 (MANE Select); coding-DNA position 3136, one base duplicated (C; older notation c.3136dupC).
Protein change: p.Leu1046fs; shifts the reading frame from leucine 1046.
Molecular consequence: frameshift variant.
Genome position (GRCh38, 1-based): chr11:77,182,451, C duplicated; the last of 2 consecutive C bases (chr11:77,182,450-77,182,451); duplicating either gives the same sequence. VCF-style (leftmost placement, unchanged base first): chr11-77182449-T-TC. GRCh37 (hg19) VCF-style: chr11-76893494-T-TC.
Other names: c.3136dup (NM_000260.3); c.3136dup, p.Leu1046fs (NM_001127180.2); c.3103dup, p.Leu1035fs (NM_001369365.1); short protein forms L1035fs, L1046fs.
Identifiers: ClinVar variation 996717 (VCV000996717.9), dbSNP rs1955319492, ClinGen allele CA1984113984.
Genomic context (GRCh38, chr11:77,182,449, plus strand): 5'-CCGCTCTGGCCTCTGACATGCGCGCTCTGCCCCAGGCAGCCCTGGCGGTCTGGATCACCA[T>TC]CCTCCGCTTCATGGGGGACCTCCCTGAGCCCAAGTACCACACAGCCATGAGTGATGGCAG-3'